The following is an entry in ClinVar:

NM_144599.5(NIPA1):c.*1405G>C

Gene: NIPA1 (NIPA magnesium transporter 1; plus strand). Cytogenetic location: 15q11.2.
Variant type: single nucleotide variant.
Coding change: c.*1405G>C on transcript NM_144599.5 (MANE Select); 1405 bases downstream of the stop codon, G replaced by C.
Molecular consequence: 3 prime UTR variant.
Genome position (GRCh38, 1-based): chr15:22,825,644, G>C. VCF-style: chr15-22825644-G-C. GRCh37 (hg19) VCF-style: chr15-23047424-C-G.
Other names: c.*1405G>C (NM_001142275.1).
Identifiers: ClinVar variation 315400 (VCV000315400.5), dbSNP rs7181585, ClinGen allele CA10641456.

ClinVar aggregate classification (germline): Benign (1 of 4 stars; one submission).

Conditions:
Hereditary spastic paraplegia 6 (SPG6). Also called: SPASTIC PARAPLEGIA 6, AUTOSOMAL DOMINANT. Identifiers: Orphanet 100988, MedGen C1838192, MONDO:0010878, OMIM 600363.

Allele frequency attached by ClinVar (database versions not stated): gnomAD 0.01374 and 0.01455; 1000 Genomes Project 0.01438; 1000 Genomes Project 30x 0.01530; TOPMed 0.01624.

Submission:

Illumina Laboratory Services, Illumina
Classification: Benign for Hereditary spastic paraplegia 6. Last evaluated: 2018-01-12. Review status: criteria provided, single submitter. Criteria: ICSL Variant Classification Criteria 13 December 2019. Collection method: clinical testing. Allele origin: germline.
Comment: This variant was observed in the ICSL laboratory as part of a predisposition screen in an ostensibly healthy population. It had not been previously curated by ICSL or reported in the Human Gene Mutation Database (HGMD: prior to June 1st, 2018), and was therefore a candidate for classification through an automated scoring system. Utilizing variant allele frequency, disease prevalence and penetrance estimates, and inheritance mode, an automated score was calculated to assess if this variant is too frequent to cause the disease. Based on the score and internal cut-off values, a variant classified as benign is not then subjected to further curation. The score for this variant resulted in a classification of benign for this disease.